The following is an entry in ClinVar:

ClinVar aggregate classification (germline): Uncertain significance. Review status: criteria provided, multiple submitters, no conflicts (2 of 4 stars). 2 submissions from 2 submitters: Uncertain significance (2). Last evaluated 2024-09-25.

gnomAD v4.1: 2 of 1,613,484 alleles (0.00012%); highest among the groups gnomAD compares: Non-Finnish European, 0.00017%; no homozygotes.

Submissions (2):

Revvity Omics, Revvity
Classification: Uncertain significance. Last evaluated: 2024-09-25. Review status: criteria provided, single submitter. Criteria: ACMG Guidelines, 2015. Collection method: clinical testing. Allele origin: germline.

GeneDx
Classification: Uncertain significance. Last evaluated: 2019-06-18. Review status: criteria provided, single submitter. Criteria: GeneDx Variant Classification Process June 2021. Collection method: clinical testing. Allele origin: germline. Affected: yes.
Comment: Has not been previously published as pathogenic or benign to our knowledge; Not observed in large population cohorts (Lek et al., 2016); In silico analysis, which includes protein predictors and evolutionary conservation, supports that this variant does not alter protein structure/function

NM_004370.6(COL12A1):c.529A>T (p.Thr177Ser)

Gene: COL12A1 (collagen type XII alpha 1 chain; minus strand). Cytogenetic location: 6q13.
Variant type: single nucleotide variant.
Coding change: c.529A>T on transcript NM_004370.6 (MANE Select); coding-DNA position 529, A replaced by T.
Protein change: p.Thr177Ser; replaces threonine 177 with serine.
Molecular consequence: missense variant. On other transcripts: intron variant (1).
Genome position (GRCh38, 1-based): chr6:75,189,681, T>A on the plus strand (A>T on the coding strand, the complement: COL12A1 is on the minus strand). VCF-style: chr6-75189681-T-A. GRCh37 (hg19) VCF-style: chr6-75899397-T-A.
Other names: c.73+13039A>T (NM_080645.3); short protein forms T177S.
Identifiers: ClinVar variation 1317119 (VCV001317119.3), dbSNP rs375778726, ClinGen allele CA364729166.